The following is an entry in ClinVar:

ClinVar aggregate classification (germline): Uncertain significance (1 of 4 stars; one submission).

Conditions:
Hereditary cancer-predisposing syndrome. Also called: Hereditary Cancer Syndrome; Tumor predisposition; Hereditary neoplastic syndrome; Neoplastic Syndromes, Hereditary. Identifiers: Orphanet 140162, MedGen C0027672, MeSH D009386, MONDO:0015356.
Cardiovascular phenotype. Identifiers: MedGen CN230736.

Submission:

Ambry Genetics
Classification: Uncertain significance for Cardiovascular phenotype; Hereditary cancer-predisposing syndrome. Last evaluated: 2024-09-12. Review status: criteria provided, single submitter. Criteria: Ambry Variant Classification Scheme 2023. Collection method: clinical testing. Allele origin: germline.
Comment: The p.D186N variant (also known as c.556G>A), located in coding exon 5 of the NF1 gene, results from a G to A substitution at nucleotide position 556. The aspartic acid at codon 186 is replaced by asparagine, an amino acid with highly similar properties. This amino acid position is conserved. In addition, the in silico prediction for this alteration is inconclusive. Based on the available evidence, the clinical significance of this variant remains unclear.

NM_001042492.3(NF1):c.556G>A (p.Asp186Asn)

Gene: NF1 (neurofibromin 1; plus strand). Cytogenetic location: 17q11.2.
Variant type: single nucleotide variant.
Coding change: c.556G>A on transcript NM_001042492.3 (MANE Select); coding-DNA position 556, G replaced by A.
Protein change: p.Asp186Asn; replaces aspartic acid 186 with asparagine.
Molecular consequence: missense variant.
Genome position (GRCh38, 1-based): chr17:31,169,967, G>A. VCF-style: chr17-31169967-G-A. GRCh37 (hg19) VCF-style: chr17-29496985-G-A.
Other names: c.556G>A, p.Asp186Asn (NM_000267.4, NM_001128147.3); short protein forms D186N.
Identifiers: ClinVar variation 3404744 (VCV003404744.1).
Genomic context (GRCh38, chr17:31,169,967, plus strand): 5'-GTTTGTTCAGAAGACAATGTTGATGTTCATGATATAGAATTGTTACAGTATATCAATGTG[G>A]ATTGTGCAAAATTAAAACGACTCCTGAAGGGTAAGTTTAAATGTATAATATATCTGAAAA-3'
Protein context (NP_001035957.1, residues 176-196): DIELLQYINV[Asp186Asn]CAKLKRLLKE